The following is an entry in ClinVar:

ClinVar aggregate classification (germline): Pathogenic (1 of 4 stars; one submission).

Conditions:
Familial focal epilepsy with variable foci (FPEVF). Identifiers: Orphanet 98820, MedGen C1858477, MONDO:0020310.

Submission:

Labcorp Genetics (formerly Invitae), Labcorp
Classification: Pathogenic for Familial focal epilepsy with variable foci. Last evaluated: 2024-02-05. Review status: criteria provided, single submitter. Criteria: Invitae Variant Classification Sherloc (09022015). Collection method: clinical testing. Allele origin: germline.
Comment: This sequence change creates a premature translational stop signal (p.Arg78Profs*3) in the DEPDC5 gene. It is expected to result in an absent or disrupted protein product. Loss-of-function variants in DEPDC5 are known to be pathogenic (PMID: 23542697, 23542701). This variant is not present in population databases (gnomAD no frequency). This variant has not been reported in the literature in individuals affected with DEPDC5-related conditions. For these reasons, this variant has been classified as Pathogenic.

Literature cited by the submitters: PubMed 23542697; PubMed 23542701.

NM_001242896.3(DEPDC5):c.231_232dup (p.Arg78fs)

Gene: DEPDC5 (DEP domain containing 5, GATOR1 subcomplex subunit; plus strand). Cytogenetic location: 22q12.2.
Variant type: Duplication.
Coding change: c.231_232dup on transcript NM_001242896.3 (MANE Select); coding-DNA positions 231 to 232, 2 bases duplicated (CC; older notation c.231_232dupCC).
Protein change: p.Arg78fs; shifts the reading frame from arginine 78.
Molecular consequence: frameshift variant. On other transcripts: non-coding transcript variant (5).
Genome position (GRCh38, 1-based): chr22:31,765,012-31,765,013, CC duplicated. VCF-style (leftmost placement, unchanged base first): chr22-31765011-T-TCC. GRCh37 (hg19) VCF-style: chr22-32160997-T-TCC.
Other names: c.231_232dup, p.Arg78fs (NM_001007188.4, NM_001136029.4, NM_001242897.2 and 9 more transcripts); short protein forms R78fs.
Identifiers: ClinVar variation 2845439 (VCV002845439.3), dbSNP rs2082695884, ClinGen allele CA2739267897.
Genomic context (GRCh38, chr22:31,765,011, plus strand): 5'-AGCCAGATATTGTTTCTGTTTTAGAAACTATCAGTGTGGACCAGACTGTGACTCAAGTGT[T>TCC]CCGGCTGAGACCTTATCAGGATGTCTATGTTAATGTCGTAGACCCTAAGGTATGTCTTTG-3'